The following is an entry in ClinVar:

NM_001017980.4(VMA21):c.11C>A (p.Pro4Gln)

Gene: VMA21 (vacuolar ATPase assembly factor VMA21; plus strand). Cytogenetic location: Xq28.
Variant type: single nucleotide variant.
Coding change: c.11C>A on transcript NM_001017980.4 (MANE Select); coding-DNA position 11, C replaced by A.
Protein change: p.Pro4Gln; replaces proline 4 with glutamine.
Molecular consequence: missense variant. On other transcripts: intron variant (1).
Genome position (GRCh38, 1-based): chrX:151,397,319, C>A. VCF-style: chrX-151397319-C-A. GRCh37 (hg19) VCF-style: chrX-150565791-C-A.
Other names: c.218+262C>A (NM_001363810.1); short protein forms P4Q.
Identifiers: ClinVar variation 2917513 (VCV002917513.3), dbSNP rs1465930949, ClinGen allele CA415270759.

ClinVar aggregate classification (germline): Uncertain significance (1 of 4 stars; one submission).

Conditions:
X-linked myopathy with excessive autophagy (AVM). Also called: Vacuolar myopathy; Autophagic vacuolar myopathy. Identifiers: Orphanet 25980, MedGen C1839615, MONDO:0010684, OMIM 310440.

gnomAD v4.1: 2 of 1,161,870 alleles (0.00017%); highest among the groups gnomAD compares: African/African-American, 0.0035%; no homozygotes.

Submission:

Labcorp Genetics (formerly Invitae), Labcorp
Classification: Uncertain significance for X-linked myopathy with excessive autophagy. Last evaluated: 2025-12-04. Review status: criteria provided, single submitter. Criteria: Invitae Variant Classification Sherloc (09022015). Collection method: clinical testing. Allele origin: germline.
Comment: This sequence change replaces proline, which is neutral and non-polar, with glutamine, which is neutral and polar, at codon 4 of the VMA21 protein (p.Pro4Gln). This variant is not present in population databases (gnomAD no frequency). This variant has not been reported in the literature in individuals affected with VMA21-related conditions. ClinVar contains an entry for this variant (Variation ID: 2917513). An algorithm developed to predict the effect of missense changes on protein structure and function (PolyPhen-2) suggests that this variant is likely to be tolerated. In summary, the available evidence is currently insufficient to determine the role of this variant in disease. Therefore, it has been classified as a Variant of Uncertain Significance.